The following is an entry in ClinVar:

ClinVar aggregate classification (germline): Uncertain significance (1 of 4 stars; one submission).

Conditions:
Early Myoclonic Encephalopathy. Identifiers: MedGen C0270855.

Allele frequency attached by ClinVar (database versions not stated): TOPMed 0.00001; gnomAD exomes below 0.00001.
gnomAD v4.1: 1 of 1,611,706 alleles (0.000062%); highest among the groups gnomAD compares: Admixed American, 0.0017%; no homozygotes.

Submission:

Labcorp Genetics (formerly Invitae), Labcorp
Classification: Uncertain significance for Early Myoclonic Encephalopathy. Last evaluated: 2024-10-20. Review status: criteria provided, single submitter. Criteria: Invitae Variant Classification Sherloc (09022015). Collection method: clinical testing. Allele origin: germline.
Comment: This sequence change replaces leucine, which is neutral and non-polar, with proline, which is neutral and non-polar, at codon 453 of the KCND2 protein (p.Leu453Pro). This variant is present in population databases (no rsID available, gnomAD 0.003%). This variant has not been reported in the literature in individuals affected with KCND2-related conditions. ClinVar contains an entry for this variant (Variation ID: 1356729). Invitae Evidence Modeling of protein sequence and biophysical properties (such as structural, functional, and spatial information, amino acid conservation, physicochemical variation, residue mobility, and thermodynamic stability) has been performed for this missense variant. However, the output from this modeling did not meet the statistical confidence thresholds required to predict the impact of this variant on KCND2 protein function. In summary, the available evidence is currently insufficient to determine the role of this variant in disease. Therefore, it has been classified as a Variant of Uncertain Significance.

NM_012281.3(KCND2):c.1358T>C (p.Leu453Pro)

Gene: KCND2 (potassium voltage-gated channel subfamily D member 2; plus strand). Cytogenetic location: 7q31.31.
Variant type: single nucleotide variant.
Coding change: c.1358T>C on transcript NM_012281.3 (MANE Select); coding-DNA position 1358, T replaced by C.
Protein change: p.Leu453Pro; replaces leucine 453 with proline.
Molecular consequence: missense variant.
Genome position (GRCh38, 1-based): chr7:120,741,613, T>C. VCF-style: chr7-120741613-T-C. GRCh37 (hg19) VCF-style: chr7-120381667-T-C.
Other names: short protein forms L453P.
Identifiers: ClinVar variation 1356729 (VCV001356729.6), dbSNP rs949723667, ClinGen allele CA165829733.